The following is an entry in ClinVar:

NC_000009.11:g.(?_311934)_(464219_?)dup

Gene: DOCK8 (dedicator of cytokinesis 8; plus strand). Cytogenetic location: 9p24.3.
Variant type: Duplication.
Identifiers: ClinVar variation 3245229 (VCV003245229.1).

ClinVar aggregate classification (germline): Uncertain significance (1 of 4 stars; one submission).

Submission:

Labcorp Genetics (formerly Invitae), Labcorp
Classification: Uncertain significance. Last evaluated: 2023-04-04. Review status: criteria provided, single submitter. Criteria: Invitae Variant Classification Sherloc (09022015). Collection method: clinical testing. Allele origin: unknown.
Comment: In summary, the available evidence is currently insufficient to determine the role of this variant in disease. Therefore, it has been classified as a Variant of Uncertain Significance. This variant has not been reported in the literature in individuals affected with DOCK8-related conditions. This variant results in a copy number gain of the genomic region encompassing exon(s) 6-48 of the DOCK8 gene. This region includes the termination codon of the gene. This copy number gain extends beyond the assayed region for this gene and therefore may encompass additional genes. As the precise location of this event is unknown, it may be in tandem or it may be located elsewhere in the genome.